The following is an entry in ClinVar:

ClinVar aggregate classification (germline): Uncertain significance. Review status: criteria provided, multiple submitters, no conflicts (2 of 4 stars). 2 submissions from 2 submitters: Uncertain significance (2). Last evaluated 2025-09-28.

gnomAD v4.1: 36 of 1,613,100 alleles (0.0022%); highest among the groups gnomAD compares: Non-Finnish European, 0.003%; no homozygotes.

Submissions (2):

Labcorp Genetics (formerly Invitae), Labcorp
Classification: Uncertain significance. Last evaluated: 2025-09-28. Review status: criteria provided, single submitter. Criteria: Invitae Variant Classification Sherloc (09022015). Collection method: clinical testing. Allele origin: germline.
Comment: This sequence change replaces glycine, which is neutral and non-polar, with arginine, which is basic and polar, at codon 17 of the COQ8B protein (p.Gly17Arg). This variant is present in population databases (rs376750623, gnomAD 0.003%). This variant has not been reported in the literature in individuals affected with COQ8B-related conditions. ClinVar contains an entry for this variant (Variation ID: 1423892). An algorithm developed to predict the effect of missense changes on protein structure and function (PolyPhen-2) suggests that this variant is likely to be disruptive. In summary, the available evidence is currently insufficient to determine the role of this variant in disease. Therefore, it has been classified as a Variant of Uncertain Significance.

GeneDx
Classification: Uncertain significance. Last evaluated: 2022-12-16. Review status: criteria provided, single submitter. Criteria: GeneDx Variant Classification Process June 2021. Collection method: clinical testing. Allele origin: germline. Affected: yes.
Comment: Not observed at significant frequency in large population cohorts (gnomAD); In silico analysis supports that this missense variant does not alter protein structure/function; Has not been previously published as pathogenic or benign to our knowledge

NM_024876.4(COQ8B):c.49G>C (p.Gly17Arg)

Gene: COQ8B (coenzyme Q8B; minus strand). Cytogenetic location: 19q13.2.
Variant type: single nucleotide variant.
Coding change: c.49G>C on transcript NM_024876.4 (MANE Select); coding-DNA position 49, G replaced by C.
Protein change: p.Gly17Arg; replaces glycine 17 with arginine.
Molecular consequence: missense variant.
Genome position (GRCh38, 1-based): chr19:40,714,584, C>G on the plus strand (G>C on the coding strand, the complement: COQ8B is on the minus strand). VCF-style: chr19-40714584-C-G. GRCh37 (hg19) VCF-style: chr19-41220489-C-G.
Other names: c.49G>C (NM_024876.3); c.49G>C, p.Gly17Arg (NM_001142555.3); short protein forms G17R.
Identifiers: ClinVar variation 1423892 (VCV001423892.6), dbSNP rs376750623, ClinGen allele CA9450564.